The following is an entry in ClinVar:

ClinVar aggregate classification (germline): Uncertain significance (1 of 4 stars; one submission).

Conditions:
Progressive myoclonic epilepsy. Also called: Familial progressive myoclonic epilepsy; Myoclonic Epilepsies, Progressive; Myoclonus epilepsy; Progressive myoclonus epilepsy. Identifiers: Orphanet 308, Orphanet 98261, MedGen C0751778, MONDO:0020074.

Allele frequency attached by ClinVar (database versions not stated): gnomAD exomes 0.00001; TOPMed 0.00001; ExAC 0.00002; ESP Exome Variant Server 0.00008.

Submission:

Labcorp Genetics (formerly Invitae), Labcorp
Classification: Uncertain significance for Progressive myoclonic epilepsy. Last evaluated: 2021-08-30. Review status: criteria provided, single submitter. Criteria: Invitae Variant Classification Sherloc (09022015). Collection method: clinical testing. Allele origin: germline.
Comment: This sequence change replaces glutamic acid with lysine at codon 62 of the CSTB protein (p.Glu62Lys). The glutamic acid residue is weakly conserved and there is a small physicochemical difference between glutamic acid and lysine. This variant is present in population databases (rs147307021, ExAC 0.009%). This variant has not been reported in the literature in individuals affected with CSTB-related conditions. Algorithms developed to predict the effect of missense changes on protein structure and function (SIFT, PolyPhen-2, Align-GVGD) all suggest that this variant is likely to be tolerated. In summary, the available evidence is currently insufficient to determine the role of this variant in disease. Therefore, it has been classified as a Variant of Uncertain Significance.

NM_000100.4(CSTB):c.184G>A (p.Glu62Lys)

Gene: CSTB (cystatin B; minus strand). Cytogenetic location: 21q22.3.
Variant type: single nucleotide variant.
Coding change: c.184G>A on transcript NM_000100.4 (MANE Select); coding-DNA position 184, G replaced by A.
Protein change: p.Glu62Lys; replaces glutamic acid 62 with lysine.
Molecular consequence: missense variant.
Genome position (GRCh38, 1-based): chr21:43,774,315, C>T on the plus strand (G>A on the coding strand, the complement: CSTB is on the minus strand). VCF-style: chr21-43774315-C-T. GRCh37 (hg19) VCF-style: chr21-45194196-C-T.
Other names: short protein forms E62K.
Identifiers: ClinVar variation 1443033 (VCV001443033.5), dbSNP rs147307021, ClinGen allele CA10048877.